The following is an entry in ClinVar:

ClinVar aggregate classification (germline): Likely pathogenic (1 of 4 stars; one submission).

Conditions:
Blepharophimosis - intellectual disability syndrome, SBBYS type (SBBYSS). Also called: Ohdo syndrome, SBBYS variant; SBBYSS syndrome; Say-Barber-Biesecker-Young-Simpson syndrome; Say-Barber-Biesecker-Young-Simpson variant of Ohdo Syndrome; Say-Barber-Biesecker Variant of Ohdo Syndrome; Say-Barber-Biesecker variant of Ohdo syndrome (SBBYSS). Identifiers: Orphanet 3047, MedGen C1863557, MONDO:0011365, OMIM 603736.

Submission:

Genetics Laboratory, UDIAT-Centre Diagnòstic, Hospital Universitari Parc Tauli
Classification: Likely pathogenic for blepharophimosis - intellectual disability syndrome, SBBYS type. Last evaluated: 2022-11-14. Review status: criteria provided, single submitter. Criteria: ACMG Guidelines, 2015. Collection method: clinical testing. Allele origin: unknown. Inheritance: Autosomal dominant inheritance. Affected: yes.
Comment: PVS1_very strong;PM2_supporting

NM_012330.4(KAT6B):c.3295_3301del (p.Glu1099fs)

Gene: KAT6B (lysine acetyltransferase 6B; plus strand). Cytogenetic location: 10q22.2.
Variant type: Deletion.
Coding change: c.3295_3301del on transcript NM_012330.4 (MANE Select); coding-DNA positions 3295 to 3301, 7 bases deleted (GAAGAAG; older notation c.3295_3301delGAAGAAG).
Protein change: p.Glu1099fs; shifts the reading frame from glutamic acid 1099.
Molecular consequence: frameshift variant.
Genome position (GRCh38, 1-based): chr10:75,022,154-75,022,160, GAAGAAG deleted. VCF-style (leftmost placement, unchanged base first): chr10-75022153-AGAAGAAG-A. GRCh37 (hg19) VCF-style: chr10-76781911-AGAAGAAG-A.
Other names: c.2419_2425del, p.Glu807fs (NM_001370142.1, NM_001256469.2, NM_001370139.1 and 2 more transcripts); c.2230_2236del, p.Glu744fs (NM_001370143.1, NM_001370144.1); c.2746_2752del, p.Glu916fs (NM_001256468.2, NM_001370138.1); c.2257_2263del, p.Glu753fs (NM_001370132.1); c.1606_1612del, p.Glu536fs (NM_001370133.1); c.1210_1216del, p.Glu404fs (NM_001370134.1); c.952_958del, p.Glu318fs (NM_001370135.1); c.3295_3301del, p.Glu1099fs (NM_001370136.1, NM_001370137.1); short protein forms E1099fs, E318fs, E404fs, E536fs, E744fs, E753fs, E807fs, E916fs.
Identifiers: ClinVar variation 3897606 (VCV003897606.1).